The following is an entry in ClinVar:

ClinVar aggregate classification (germline): Uncertain significance (1 of 4 stars; one submission).

Conditions:
Congenital myasthenic syndrome 9. Also called: Myasthenic syndrome, congenital, 9, associated with acetylcholine receptor deficiency. Identifiers: Orphanet 590, MedGen C4225368, MONDO:0014587, OMIM 616325.
Fetal akinesia deformation sequence 1 (FADS1). Also called: Pena-Shokeir syndrome type I; Fetal akinesia sequence. Identifiers: Orphanet 994, MedGen C1276035, MONDO:0100101, OMIM 208150, HP:0001989.

Submission:

Labcorp Genetics (formerly Invitae), Labcorp
Classification: Uncertain significance for Congenital myasthenic syndrome 9; Fetal akinesia deformation sequence 1. Last evaluated: 2022-06-22. Review status: criteria provided, single submitter. Criteria: Invitae Variant Classification Sherloc (09022015). Collection method: clinical testing. Allele origin: germline.
Comment: A copy number gain of the genomic region encompassing the full coding sequence of the MUSK gene has been identified. The boundaries of this event are unknown as they extend beyond the assayed region for this gene and therefore may encompass additional genes. As the precise location of this event is unknown, it may be in tandem or it may be located elsewhere in the genome. This variant has not been reported in the literature in individuals affected with MUSK-related conditions. In summary, the available evidence is currently insufficient to determine the role of this variant in disease. Therefore, it has been classified as a Variant of Uncertain Significance.

NC_000009.11:g.(?_113006437)_(113563268_?)dup

Genes: SVEP1 (sushi, von Willebrand factor type A, EGF and pentraxin domain containing 1; minus strand), TXN (thioredoxin; minus strand), MUSK (muscle associated receptor tyrosine kinase; plus strand), TXNDC8 (thioredoxin domain containing 8; minus strand). Cytogenetic location: 9q31.3.
Variant type: Duplication.
Identifiers: ClinVar variation 2425380 (VCV002425380.2).